The following is an entry in ClinVar:

ClinVar aggregate classification (germline): Conflicting classifications of pathogenicity. Review status: criteria provided, conflicting classifications (1 of 4 stars). 2 submissions from 2 submitters: Uncertain significance (1); Likely benign (1). Last evaluated 2024-10-30.

Conditions:
Inborn genetic diseases. Identifiers: MedGen C0950123, MeSH D030342.

Submissions (2):

Women's Health and Genetics/Laboratory Corporation of America, LabCorp
Classification: Uncertain significance. Last evaluated: 2024-10-30. Review status: criteria provided, single submitter. Criteria: LabCorp Variant Classification Summary - May 2015. Collection method: clinical testing. Allele origin: germline.
Comment: Variant summary: PIDD1 c.896C>T (p.Ser299Leu) results in a non-conservative amino acid change in the encoded protein sequence. Four of five in-silico tools predict a benign effect of the variant on protein function. The variant allele was found at a frequency of 9.4e-05 in 244792 control chromosomes. This frequency is not significantly higher than estimated for a pathogenic variant in PIDD1 causing Intellectual Developmental Disorder, Autosomal Recessive 75, With Neuropsychiatric Features And Variant Lissencephaly, allowing no conclusion about variant significance. To our knowledge, no occurrence of c.896C>T in individuals affected with Intellectual Developmental Disorder, Autosomal Recessive 75, With Neuropsychiatric Features And Variant Lissencephaly and no experimental evidence demonstrating its impact on protein function have been reported. No submitters have cited clinical-significance assessments for this variant to ClinVar. Based on the evidence outlined above, the variant was classified as uncertain significance.

Ambry Genetics
Classification: Likely benign for Inborn genetic diseases. Last evaluated: 2024-10-07. Review status: criteria provided, single submitter. Criteria: Ambry Variant Classification Scheme 2023. Collection method: clinical testing. Allele origin: germline.

NM_145886.4(PIDD1):c.896C>T (p.Ser299Leu)

Gene: PIDD1 (p53-induced death domain protein 1; minus strand). Cytogenetic location: 11p15.5.
Variant type: single nucleotide variant.
Coding change: c.896C>T on transcript NM_145886.4 (MANE Select); coding-DNA position 896, C replaced by T.
Protein change: p.Ser299Leu; replaces serine 299 with leucine.
Molecular consequence: missense variant.
Genome position (GRCh38, 1-based): chr11:802,705, G>A on the plus strand (C>T on the coding strand, the complement: PIDD1 is on the minus strand). VCF-style: chr11-802705-G-A. GRCh37 (hg19) VCF-style: chr11-802705-G-A.
Other names: c.896C>T, p.Ser299Leu (NM_145887.4); c.896C>T (NM_145886.3); short protein forms S299L.
Identifiers: ClinVar variation 3385302 (VCV003385302.2).